The following is an entry in ClinVar:

NM_000135.4(FANCA):c.4145G>T (p.Arg1382Met)

Genes: FANCA (FA complementation group A; minus strand), ZNF276 (zinc finger protein 276; plus strand). Cytogenetic location: 16q24.3.
Variant type: single nucleotide variant.
Coding change: c.4145G>T on transcript NM_000135.4 (MANE Select); coding-DNA position 4145, G replaced by T.
Protein change: p.Arg1382Met; replaces arginine 1382 with methionine.
Molecular consequence: missense variant. On other transcripts: 3 prime UTR variant (2), non-coding transcript variant (4).
Genome position (GRCh38, 1-based): chr16:89,739,155, C>A on the plus strand (G>T on the coding strand, the complement: FANCA is on the minus strand). VCF-style: chr16-89739155-C-A. GRCh37 (hg19) VCF-style: chr16-89805563-C-A.
Other names: c.4145G>T, p.Arg1382Met (NM_001286167.3); c.*909C>A (NM_001113525.2, NM_152287.4); short protein forms R1382M.
Identifiers: ClinVar variation 3512722 (VCV003512722.1).
Genomic context (GRCh38, chr16:89,739,155, plus strand): 5'-GGAGCTCCCCTGGAGGTGGGACTGGCCCTTGCACCTGCCTGACCCTTGAGCTCCAGGCTC[C>A]TGCCAGCTGGAGGTGAAACTGTGCTTGTATCCCCAGCCACGAAGAGCTGGACCAGCTTCA-3'
Protein context (NP_000126.2, residues 1372-1392): DTSTVSPPAG[Arg1382Met]SLELKGQGNP

ClinVar aggregate classification (germline): Uncertain significance (1 of 4 stars; one submission).

Conditions:
Inborn genetic diseases. Identifiers: MedGen C0950123, MeSH D030342.

gnomAD v4.1: 16 of 1,614,042 alleles (0.00099%); highest among the groups gnomAD compares: African/African-American, 0.0013%; no homozygotes.

Submission:

Ambry Genetics
Classification: Uncertain significance for Inborn genetic diseases. Last evaluated: 2024-12-08. Review status: criteria provided, single submitter. Criteria: Ambry Variant Classification Scheme 2023. Collection method: clinical testing. Allele origin: germline.
Comment: The p.R1382M variant (also known as c.4145G>T), located in coding exon 41 of the FANCA gene, results from a G to T substitution at nucleotide position 4145. The arginine at codon 1382 is replaced by methionine, an amino acid with similar properties. This amino acid position is conserved. In addition, this alteration is predicted to be tolerated by in silico analysis. Based on the available evidence, the clinical significance of this variant remains unclear.